The following is an entry in ClinVar:

ClinVar aggregate classification (germline): Uncertain significance (1 of 4 stars; one submission).

Allele frequency attached by ClinVar (database versions not stated): TOPMed below 0.00001.
gnomAD v4.1: 1 of 1,611,492 alleles (0.000062%); highest among the groups gnomAD compares: Non-Finnish European, 0.000085%; no homozygotes.

Submission:

Labcorp Genetics (formerly Invitae), Labcorp
Classification: Uncertain significance. Last evaluated: 2021-12-09. Review status: criteria provided, single submitter. Criteria: Invitae Variant Classification Sherloc (09022015). Collection method: clinical testing. Allele origin: germline.
Comment: This variant has not been reported in the literature in individuals affected with ZNF408-related conditions. This variant is not present in population databases (gnomAD no frequency). This sequence change replaces serine, which is neutral and polar, with asparagine, which is neutral and polar, at codon 697 of the ZNF408 protein (p.Ser697Asn). Algorithms developed to predict the effect of missense changes on protein structure and function output the following: SIFT: "Tolerated"; PolyPhen-2: "Benign"; Align-GVGD: "Class C0". The asparagine amino acid residue is found in multiple mammalian species, which suggests that this missense change does not adversely affect protein function. In summary, the available evidence is currently insufficient to determine the role of this variant in disease. Therefore, it has been classified as a Variant of Uncertain Significance.

NM_024741.3(ZNF408):c.2090G>A (p.Ser697Asn)

Gene: ZNF408 (zinc finger protein 408; plus strand). Cytogenetic location: 11p11.2.
Variant type: single nucleotide variant.
Coding change: c.2090G>A on transcript NM_024741.3 (MANE Select); coding-DNA position 2090, G replaced by A.
Protein change: p.Ser697Asn; replaces serine 697 with asparagine.
Molecular consequence: missense variant.
Genome position (GRCh38, 1-based): chr11:46,705,790, G>A. VCF-style: chr11-46705790-G-A. GRCh37 (hg19) VCF-style: chr11-46727340-G-A.
Other names: c.2066G>A, p.Ser689Asn (NM_001184751.2); short protein forms S689N, S697N.
Identifiers: ClinVar variation 2038563 (VCV002038563.4), dbSNP rs2064748387, ClinGen allele CA380258166.